The following is an entry in ClinVar:

NM_001754.5(RUNX1):c.1277dup (p.Arg427fs)

Gene: RUNX1 (RUNX family transcription factor 1; minus strand). Cytogenetic location: 21q22.12.
Variant type: Duplication.
Coding change: c.1277dup on transcript NM_001754.5 (MANE Select); coding-DNA position 1277, one base duplicated (C; older notation c.1277dupC).
Protein change: p.Arg427fs; shifts the reading frame from arginine 427.
Molecular consequence: frameshift variant.
Genome position (GRCh38, 1-based): chr21:34,792,301, G duplicated on the plus strand (C on the coding strand, the reverse complement: RUNX1 is on the minus strand); the first of 2 consecutive G bases (chr21:34,792,301-34,792,302); duplicating either gives the same sequence. VCF-style (leftmost placement, unchanged base first): chr21-34792300-C-CG. GRCh37 (hg19) VCF-style: chr21-36164597-C-CG.
Other names: NM_001754.5(RUNX1):c.1277dup; p.Arg427fs; c.1196dup, p.Arg400fs (NM_001001890.3); short protein forms R427fs, R400fs.
Identifiers: ClinVar variation 2106464 (VCV002106464.6), dbSNP rs2056451263, ClinGen allele CA2580098640.

ClinVar aggregate classification (germline): Likely pathogenic. Review status: reviewed by expert panel (3 of 4 stars). 2 submissions from 2 submitters: Likely pathogenic (1). 1 of the submissions does not count toward it. Last evaluated 2026-10-05.

Conditions:
Hereditary thrombocytopenia and hematologic cancer predisposition syndrome. Identifiers: Orphanet 71290, MedGen CN281654, MONDO:0011071.
Hereditary thrombocytopenia and hematological cancer predisposition syndrome associated with RUNX1. Also called: PLATELET DISORDER, ASPIRIN-LIKE; Familial Platelet Disorder with Propensity to Acute Myelogenous Leukemia; Familial thrombocytopenia with propensity to acute myelogenous leukemia; RUNX1 Familial Platelet Disorder with Associated Myeloid Malignancies. Identifiers: Orphanet 71290, MedGen C1832388, MeSH C563324, MONDO:0100083, OMIM 601399.

Submissions (2):

ClinGen Myeloid Malignancy Variant Curation Expert Panel
Classification: Likely pathogenic for Hereditary thrombocytopenia and hematologic cancer predisposition syndrome. Last evaluated: 2026-10-05. Review status: reviewed by expert panel. Criteria: ClinGen MyeloMalig ACMG Specifications V3.1. Collection method: curation. Allele origin: germline. Inheritance: Autosomal dominant inheritance.
Comment: NM_001754.5(RUNX1):c.1277dup (p.Arg427AlafsTer?) is a frameshift variant which is not predicted to undergo NMD (PVS1_Strong). This variant is downstream of c.98 (PM5_Supporting) and is completely absent from all population databases with at least 20x coverage for RUNX1 (PM2_Supporting). In summary, this variant meets criteria to be classified as likely pathogenic. ACMG/AMP criteria applied, as specified by the ClinGen Myeloid Malignancy Variant Curation Expert Panel for RUNX1: PVS1_Strong, PM5_Supporting, PM2_Supporting.

Labcorp Genetics (formerly Invitae), Labcorp
Classification: Uncertain significance for Hereditary thrombocytopenia and hematological cancer predisposition syndrome associated with RUNX1. Last evaluated: 2022-03-04. Review status: criteria provided, single submitter. Criteria: Invitae Variant Classification Sherloc (09022015). Collection method: clinical testing. Allele origin: germline. Not counted in ClinVar's aggregate classification.
Comment: In summary, the available evidence is currently insufficient to determine the role of this variant in disease. Therefore, it has been classified as a Variant of Uncertain Significance. Experimental studies and prediction algorithms are not available or were not evaluated, and the functional significance of this variant is currently unknown. This variant has not been reported in the literature in individuals affected with RUNX1-related conditions. This variant is not present in population databases (gnomAD no frequency). This sequence change results in a frameshift in the RUNX1 gene (p.Arg427Alafs*173). While this is not anticipated to result in nonsense mediated decay, it is expected to disrupt the last 54 amino acid(s) of the RUNX1 protein and extend the protein by 118 additional amino acid residues.